The following is an entry in ClinVar:

ClinVar aggregate classification (germline): Likely benign (1 of 4 stars; one submission).

gnomAD v4.1: 4 of 1,612,284 alleles (0.00025%); highest among the groups gnomAD compares: Admixed American, 0.0017%; no homozygotes.

Submission:

Women's Health and Genetics/Laboratory Corporation of America, LabCorp
Classification: Likely benign. Last evaluated: 2025-12-26. Review status: criteria provided, single submitter. Criteria: LabCorp Variant Classification Summary - May 2015. Collection method: clinical testing. Allele origin: germline.
Comment: Variant summary: EHMT1 c.192C>T results in a synonymous change. Consensus agreement among computation tools predict no significant impact on normal splicing. However, these predictions have yet to be confirmed by functional studies. The variant allele was found at a frequency of 4e-06 in 250082 control chromosomes. The available data on variant occurrences in the general population are insufficient to allow any conclusion about variant significance. To our knowledge, no occurrence of c.192C>T in individuals affected with EHMT1-related conditions and no experimental evidence demonstrating its impact on protein function have been reported. No submitters have cited clinical-significance assessments for this variant to ClinVar. Based on the evidence outlined above, the variant was classified as likely benign.

NM_024757.5(EHMT1):c.192C>T (p.Ser64=)

Gene: EHMT1 (euchromatic histone lysine methyltransferase 1; plus strand). Cytogenetic location: 9q34.3.
Variant type: single nucleotide variant.
Coding change: c.192C>T on transcript NM_024757.5 (MANE Select); coding-DNA position 192, C replaced by T.
Protein change: p.Ser64=; no amino-acid change (serine 64 retained).
Molecular consequence: synonymous variant.
Genome position (GRCh38, 1-based): chr9:137,716,732, C>T. VCF-style: chr9-137716732-C-T. GRCh37 (hg19) VCF-style: chr9-140611184-C-T.
Other names: c.192C>T, p.Ser64= (NM_001145527.2, NM_001354263.2, NM_001354611.2); c.99C>T, p.Ser33= (NM_001354259.2, NM_001354612.2).
Identifiers: ClinVar variation 4688821 (VCV004688821.1).